The following is an entry in ClinVar:

ClinVar aggregate classification (germline): Uncertain significance (1 of 4 stars; one submission).

Submission:

GeneDx
Classification: Uncertain significance. Last evaluated: 2022-07-22. Review status: criteria provided, single submitter. Criteria: GeneDx Variant Classification Process June 2021. Collection method: clinical testing. Allele origin: germline. Affected: yes.
Comment: Not observed at significant frequency in large population cohorts (gnomAD); In silico analysis supports that this missense variant does not alter protein structure/function; Has not been previously published as pathogenic or benign to our knowledge

NM_032436.4(CHAMP1):c.1462C>T (p.Pro488Ser)

Gene: CHAMP1 (chromosome alignment maintaining phosphoprotein 1; plus strand). Cytogenetic location: 13q34.
Variant type: single nucleotide variant.
Coding change: c.1462C>T on transcript NM_032436.4 (MANE Select); coding-DNA position 1462, C replaced by T.
Protein change: p.Pro488Ser; replaces proline 488 with serine.
Molecular consequence: missense variant.
Genome position (GRCh38, 1-based): chr13:114,325,304, C>T. VCF-style: chr13-114325304-C-T. GRCh37 (hg19) VCF-style: chr13-115090779-C-T.
Other names: c.1462C>T, p.Pro488Ser (NM_001164144.3, NM_001164145.3); short protein forms P488S.
Identifiers: ClinVar variation 2136014 (VCV002136014.1), dbSNP rs2087232190, ClinGen allele CA388848730.